The following is an entry in ClinVar:

NM_001369268.1(ACAN):c.1877G>A (p.Trp626Ter)

Gene: ACAN (aggrecan; plus strand). Cytogenetic location: 15q26.1.
Variant type: single nucleotide variant.
Coding change: c.1877G>A on transcript NM_001369268.1 (MANE Select); coding-DNA position 1877, G replaced by A.
Protein change: p.Trp626Ter; replaces tryptophan 626 with a stop codon.
Molecular consequence: nonsense.
Genome position (GRCh38, 1-based): chr15:88,849,582, G>A. VCF-style: chr15-88849582-G-A. GRCh37 (hg19) VCF-style: chr15-89392813-G-A.
Other names: c.1877G>A, p.Trp626Ter (NM_001135.4, NM_001411096.1, NM_001411097.1 and 1 more transcripts); short protein forms W626*.
Identifiers: ClinVar variation 4726610 (VCV004726610.1).
Genomic context (GRCh38, chr15:88,849,582, plus strand): 5'-CCACCACGGGCCAGCTCTACGCCGCCTGGAGCCGCGGCCTGGACAAGTGCTATGCCGGCT[G>A]GCTGGCCGACGGCAGCCTCCGCTACCCCATCGTCACCCCAAGGCCTGCCTGCGGTGGGGA-3'

ClinVar aggregate classification (germline): Pathogenic (1 of 4 stars; one submission).

Submission:

Labcorp Genetics (formerly Invitae), Labcorp
Classification: Pathogenic. Last evaluated: 2025-09-03. Review status: criteria provided, single submitter. Criteria: Invitae Variant Classification Sherloc (09022015). Collection method: clinical testing. Allele origin: germline.
Comment: This sequence change creates a premature translational stop signal (p.Trp626*) in the ACAN gene. It is expected to result in an absent or disrupted protein product. Loss-of-function variants in ACAN are known to be pathogenic (PMID: 16080123, 24762113). This variant is not present in population databases (gnomAD no frequency). This variant has not been reported in the literature in individuals affected with ACAN-related conditions. For these reasons, this variant has been classified as Pathogenic.

Literature cited by the submitters: PubMed 16080123; PubMed 24762113.